The following is an entry in ClinVar:

NM_003922.4(HERC1):c.9493G>T (p.Ala3165Ser)

Gene: HERC1 (HECT and RLD domain containing E3 ubiquitin protein ligase family member 1; minus strand). Cytogenetic location: 15q22.31.
Variant type: single nucleotide variant.
Coding change: c.9493G>T on transcript NM_003922.4 (MANE Select); coding-DNA position 9493, G replaced by T.
Protein change: p.Ala3165Ser; replaces alanine 3165 with serine.
Molecular consequence: missense variant.
Genome position (GRCh38, 1-based): chr15:63,658,650, C>A on the plus strand (G>T on the coding strand, the complement: HERC1 is on the minus strand). VCF-style: chr15-63658650-C-A. GRCh37 (hg19) VCF-style: chr15-63950849-C-A.
Other names: short protein forms A3165S.
Identifiers: ClinVar variation 708025 (VCV000708025.37), dbSNP rs80032429, ClinGen allele CA7604701.

ClinVar aggregate classification (germline): Benign/Likely benign. Review status: criteria provided, multiple submitters, no conflicts (2 of 4 stars). 7 submissions from 7 submitters: Benign (2); Likely benign (4). 1 of the submissions does not count toward it. Last evaluated 2026-02-01.

Conditions:
Inborn genetic diseases. Identifiers: MedGen C0950123, MeSH D030342.
HERC1-related disorder. Also called: HERC1-related condition.

Allele frequency attached by ClinVar (database versions not stated): 1000 Genomes Project 0.00080; 1000 Genomes Project 30x 0.00094; gnomAD 0.00210 and 0.00223; TOPMed 0.00233; gnomAD exomes 0.00300 and 0.00305; ESP Exome Variant Server 0.00311; ExAC 0.00321.
gnomAD v4.1: 4,824 of 1,613,828 alleles (0.3%); highest among the groups gnomAD compares: Non-Finnish European, 0.33%; 7 homozygotes.

Submissions (7):

Labcorp Genetics (formerly Invitae), Labcorp
Classification: Likely benign. Last evaluated: 2026-02-01. Review status: criteria provided, single submitter. Criteria: Invitae Variant Classification Sherloc (09022015). Collection method: clinical testing. Allele origin: germline.

Blueprint Genetics
Classification: Likely benign. Last evaluated: 2024-11-18. Review status: criteria provided, single submitter. Criteria: ACMG Guidelines, 2015. Collection method: clinical testing. Allele origin: germline.

CeGaT Center for Human Genetics Tuebingen
Classification: Likely benign. Last evaluated: 2024-10-01. Review status: criteria provided, single submitter. Criteria: CeGaT Center For Human Genetics Tuebingen Variant Classification Criteria Version 2. Collection method: clinical testing. Allele origin: germline. Affected: yes. Observed: 3 variant alleles.
Comment: HERC1: BS2

Ambry Genetics
Classification: Benign for Inborn genetic diseases. Last evaluated: 2022-02-28. Review status: criteria provided, single submitter. Criteria: Ambry Variant Classification Scheme 2023. Collection method: clinical testing. Allele origin: germline.

GeneDx
Classification: Benign. Last evaluated: 2020-02-24. Review status: criteria provided, single submitter. Criteria: GeneDx Variant Classification Process June 2021. Collection method: clinical testing. Allele origin: germline. Affected: yes.

Breakthrough Genomics
Classification: Likely benign. Review status: criteria provided, single submitter. Criteria: ACMG Guidelines, 2015. Collection method: not provided. Allele origin: germline. Inheritance: Autosomal recessive inheritance. Affected: yes.

PreventionGenetics, part of Exact Sciences
Classification: Likely benign for HERC1-related condition. Last evaluated: 2020-10-23. Review status: no assertion criteria provided. Collection method: clinical testing. Allele origin: germline. Not counted in ClinVar's aggregate classification.
Comment: This variant is classified as likely benign based on ACMG/AMP sequence variant interpretation guidelines (Richards et al. 2015 PMID: 25741868, with internal and published modifications).